The following is an entry in ClinVar:

ClinVar aggregate classification (germline): Uncertain significance (1 of 4 stars; one submission).

Conditions:
Nance-Horan syndrome (NHS). Identifiers: Orphanet 627, MedGen C0796085, MONDO:0010545, OMIM 302350.

gnomAD v4.1: 3 of 1,210,228 alleles (0.00025%); highest among the groups gnomAD compares: Non-Finnish European, 0.00034%; no homozygotes.

Submission:

Labcorp Genetics (formerly Invitae), Labcorp
Classification: Uncertain significance for Nance-Horan syndrome. Last evaluated: 2025-02-02. Review status: criteria provided, single submitter. Criteria: Invitae Variant Classification Sherloc (09022015). Collection method: clinical testing. Allele origin: germline.
Comment: This sequence change replaces asparagine, which is neutral and polar, with serine, which is neutral and polar, at codon 1240 of the NHS protein (p.Asn1240Ser). This variant is not present in population databases (gnomAD no frequency). This variant has not been reported in the literature in individuals affected with NHS-related conditions. Invitae Evidence Modeling of protein sequence and biophysical properties (such as structural, functional, and spatial information, amino acid conservation, physicochemical variation, residue mobility, and thermodynamic stability) indicates that this missense variant is not expected to disrupt NHS protein function with a negative predictive value of 80%. In summary, the available evidence is currently insufficient to determine the role of this variant in disease. Therefore, it has been classified as a Variant of Uncertain Significance.

NM_001291867.2(NHS):c.3782A>G (p.Asn1261Ser)

Gene: NHS (NHS actin remodeling regulator; plus strand). Cytogenetic location: Xp22.13.
Variant type: single nucleotide variant.
Coding change: c.3782A>G on transcript NM_001291867.2 (MANE Select); coding-DNA position 3782, A replaced by G.
Protein change: p.Asn1261Ser; replaces asparagine 1261 with serine.
Molecular consequence: missense variant.
Genome position (GRCh38, 1-based): chrX:17,727,888, A>G. VCF-style: chrX-17727888-A-G. GRCh37 (hg19) VCF-style: chrX-17746008-A-G.
Other names: c.3251A>G, p.Asn1084Ser (NM_001136024.4); c.3188A>G, p.Asn1063Ser (NM_001291868.2); c.3719A>G, p.Asn1240Ser (NM_198270.4); short protein forms N1063S, N1240S, N1261S, N1084S.
Identifiers: ClinVar variation 3720050 (VCV003720050.2).
Genomic context (GRCh38, chrX:17,727,888, plus strand): 5'-TTCTAGATTCAAATGTCACAAAAGACCAAGTGCGTACAGAGACTGAGCCTATTCCAGAAA[A>G]CACGCCAACCAAAAACTGTGCTTTTCCCACAGAAGGATTTCAGAGGGTCTCTGCTGCCCG-3'
Protein context (NP_001278796.1, residues 1251-1271): VRTETEPIPE[Asn1261Ser]TPTKNCAFPT